The following is an entry in ClinVar:

ClinVar aggregate classification (germline): Uncertain significance (1 of 4 stars; one submission).

Conditions:
Saldino-Mainzer syndrome (SRTD9). Also called: CONORENAL SYNDROME; Renal dysplasia, retinal pigmentary dystrophy, cerebellar ataxia and skeletal dysplasia; short-rib thoracic dysplasia 9 with or without polydactyly; SHORT-RIB THORACIC DYSPLASIA 9 WITHOUT POLYDACTYLY. Identifiers: Orphanet 140969, MedGen C1849437, MONDO:0009964, OMIM 266920.

Allele frequency attached by ClinVar (database versions not stated): gnomAD exomes below 0.00001 and 0.00001; TOPMed below 0.00001.
gnomAD v4.1: 2 of 1,608,092 alleles (0.00012%); highest among the groups gnomAD compares: South Asian, 0.0011%; no homozygotes.

Submission:

Labcorp Genetics (formerly Invitae), Labcorp
Classification: Uncertain significance for Saldino-Mainzer syndrome. Last evaluated: 2024-07-29. Review status: criteria provided, single submitter. Criteria: Invitae Variant Classification Sherloc (09022015). Collection method: clinical testing. Allele origin: germline.
Comment: This sequence change replaces alanine, which is neutral and non-polar, with valine, which is neutral and non-polar, at codon 962 of the IFT140 protein (p.Ala962Val). This variant is present in population databases (no rsID available, gnomAD 0.003%). This variant has not been reported in the literature in individuals affected with IFT140-related conditions. ClinVar contains an entry for this variant (Variation ID: 1002471). Advanced modeling of protein sequence and biophysical properties (such as structural, functional, and spatial information, amino acid conservation, physicochemical variation, residue mobility, and thermodynamic stability) has been performed at Invitae for this missense variant, however the output from this modeling did not meet the statistical confidence thresholds required to predict the impact of this variant on IFT140 protein function. In summary, the available evidence is currently insufficient to determine the role of this variant in disease. Therefore, it has been classified as a Variant of Uncertain Significance.

NM_014714.4(IFT140):c.2885C>T (p.Ala962Val)

Genes: IFT140 (intraflagellar transport 140; minus strand), LOC126862260 (CDK7 strongly-dependent group 2 enhancer GRCh37_chr16:1574508-1575707; plus strand). Cytogenetic location: 16p13.3.
Variant type: single nucleotide variant.
Coding change: c.2885C>T on transcript NM_014714.4 (MANE Select); coding-DNA position 2885, C replaced by T.
Protein change: p.Ala962Val; replaces alanine 962 with valine.
Molecular consequence: missense variant.
Genome position (GRCh38, 1-based): chr16:1,524,896, G>A on the plus strand (C>T on the coding strand, the complement: IFT140 is on the minus strand). VCF-style: chr16-1524896-G-A. GRCh37 (hg19) VCF-style: chr16-1574897-G-A.
Other names: short protein forms A962V.
Identifiers: ClinVar variation 1002471 (VCV001002471.9), dbSNP rs1371411242, ClinGen allele CA394226560.
Genomic context (GRCh38, chr16:1,524,896, plus strand): 5'-CGGGCCAGCTCGTAGTAGTGCAGCGCGGCGTCCATCTCGCCCTGGCTCTCCAGGTACTGC[G>A]CCCACCACCGCCACAGGGTCCTGCGGGCAGCCCAAGACCATGGATTCTCCACCCGAGCCC-3'
Protein context (NP_055529.2, residues 952-972): MKDKTLWRWW[Ala962Val]QYLESQGEMD